The following is an entry in ClinVar:

NM_003737.4(DCHS1):c.5297C>T (p.Pro1766Leu)

Gene: DCHS1 (dachsous cadherin-related 1; minus strand). Cytogenetic location: 11p15.4.
Variant type: single nucleotide variant.
Coding change: c.5297C>T on transcript NM_003737.4 (MANE Select); coding-DNA position 5297, C replaced by T.
Protein change: p.Pro1766Leu; replaces proline 1766 with leucine.
Molecular consequence: missense variant.
Genome position (GRCh38, 1-based): chr11:6,628,695, G>A on the plus strand (C>T on the coding strand, the complement: DCHS1 is on the minus strand). VCF-style: chr11-6628695-G-A. GRCh37 (hg19) VCF-style: chr11-6649926-G-A.
Other names: short protein forms P1766L.
Identifiers: ClinVar variation 4737784 (VCV004737784.1).
Genomic context (GRCh38, chr11:6,628,695, plus strand): 5'-TGCAACTGCCCATTGGCTCCCACATCTGGATCAGAGGCCCGAAGCATGGTAAGGGTCTGG[G>A]GGTCCTGGCCCTCAGGCACCTCCAGAGAGAGATGGGCACTCCCAAAGGTTGGTGCATGGT-3'
Protein context (NP_003728.1, residues 1756-1776): LSLEVPEGQD[Pro1766Leu]QTLTMLRASD

ClinVar aggregate classification (germline): Uncertain significance (1 of 4 stars; one submission).

Submission:

Labcorp Genetics (formerly Invitae), Labcorp
Classification: Uncertain significance. Last evaluated: 2025-05-13. Review status: criteria provided, single submitter. Criteria: Invitae Variant Classification Sherloc (09022015). Collection method: clinical testing. Allele origin: germline.
Comment: This sequence change replaces proline, which is neutral and non-polar, with leucine, which is neutral and non-polar, at codon 1766 of the DCHS1 protein (p.Pro1766Leu). This variant is not present in population databases (gnomAD no frequency). This variant has not been reported in the literature in individuals affected with DCHS1-related conditions. Invitae Evidence Modeling of protein sequence and biophysical properties (such as structural, functional, and spatial information, amino acid conservation, physicochemical variation, residue mobility, and thermodynamic stability) indicates that this missense variant is not expected to disrupt DCHS1 protein function with a negative predictive value of 80%. In summary, the available evidence is currently insufficient to determine the role of this variant in disease. Therefore, it has been classified as a Variant of Uncertain Significance.